The following is an entry in ClinVar:

ClinVar aggregate classification (germline): Conflicting classifications of pathogenicity. Review status: criteria provided, conflicting classifications (1 of 4 stars). 4 submissions from 4 submitters: Uncertain significance (1); Likely benign (2). 1 of the submissions does not count toward it. Last evaluated 2024-03-11.

Conditions:
Hypokalemic periodic paralysis, type 1. Also called: Hypokalemic Periodic Paralysis Type 1 (AD); HypoPP. Identifiers: Orphanet 681, MedGen C3714580, MONDO:0042979, OMIM 170400.
Malignant hyperthermia, susceptibility to, 5 (MHS5). Also called: CACNA1S-Related Malignant Hyperthermia Susceptibility. Identifiers: Orphanet 423, MedGen C1866077, MONDO:0011163, OMIM 601887.
CACNA1S-related disorder. Also called: CACNA1S-related condition.

Allele frequency attached by ClinVar (database versions not stated): gnomAD exomes 0.00001 and 0.00003; gnomAD 0.00003; TOPMed 0.00003.
gnomAD v4.1: 49 of 1,613,558 alleles (0.003%); highest among the groups gnomAD compares: Non-Finnish European, 0.0038%; no homozygotes.

Submissions (4):

Labcorp Genetics (formerly Invitae), Labcorp
Classification: Likely benign for Hypokalemic periodic paralysis, type 1; Malignant hyperthermia, susceptibility to, 5. Last evaluated: 2024-03-11. Review status: criteria provided, single submitter. Criteria: Invitae Variant Classification Sherloc (09022015). Collection method: clinical testing. Allele origin: germline.

All of Us Research Program, National Institutes of Health
Classification: Likely benign for Malignant hyperthermia, susceptibility to, 5. Last evaluated: 2023-08-15. Review status: criteria provided, single submitter. Criteria: ACMG Guidelines, 2015. Collection method: clinical testing. Allele origin: germline. Inheritance: Autosomal dominant inheritance. Observed: 3 variant alleles, 3 heterozygotes.
Comment: This study involves interpretation of variants in research participants for the purpose of population health screening. Participant phenotype was not available at the time of variant classification. Additional details can be found in publication PMID: 35346344, PMCID: PMC8962531

Illumina Laboratory Services, Illumina
Classification: Uncertain significance for Hypokalemic periodic paralysis, type 1. Last evaluated: 2018-01-12. Review status: criteria provided, single submitter. Criteria: ICSL Variant Classification Criteria 13 December 2019. Collection method: clinical testing. Allele origin: germline.

PreventionGenetics, part of Exact Sciences
Classification: Likely benign for CACNA1S-related condition. Last evaluated: 2019-05-06. Review status: no assertion criteria provided. Collection method: clinical testing. Allele origin: germline. Not counted in ClinVar's aggregate classification.
Comment: This variant is classified as likely benign based on ACMG/AMP sequence variant interpretation guidelines (Richards et al. 2015 PMID: 25741868, with internal and published modifications).

NM_000069.3(CACNA1S):c.4776G>A (p.Ala1592=)

Gene: CACNA1S (calcium voltage-gated channel subunit alpha1 S; minus strand). Cytogenetic location: 1q32.1.
Variant type: single nucleotide variant.
Coding change: c.4776G>A on transcript NM_000069.3 (MANE Select); coding-DNA position 4776, G replaced by A.
Protein change: p.Ala1592=; no amino-acid change (alanine 1592 retained).
Molecular consequence: synonymous variant.
Genome position (GRCh38, 1-based): chr1:201,044,349, C>T on the plus strand (G>A on the coding strand, the complement: CACNA1S is on the minus strand). VCF-style: chr1-201044349-C-T. GRCh37 (hg19) VCF-style: chr1-201013477-C-T.
Identifiers: ClinVar variation 294712 (VCV000294712.16), dbSNP rs752911523, ClinGen allele CA10609292.